The following is an entry in ClinVar:

ClinVar aggregate classification (germline): Uncertain significance (1 of 4 stars; one submission).

gnomAD v4.1: 27 of 1,613,952 alleles (0.0017%); highest among the groups gnomAD compares: Admixed American, 0.0033%; no homozygotes.

Submission:

Women's Health and Genetics/Laboratory Corporation of America, LabCorp
Classification: Uncertain significance. Last evaluated: 2024-11-15. Review status: criteria provided, single submitter. Criteria: LabCorp Variant Classification Summary - May 2015. Collection method: clinical testing. Allele origin: germline.
Comment: Variant summary: ZNF407 c.740A>G (p.Asp247Gly) results in a non-conservative amino acid change located in the zinc finger domain of the encoded protein sequence. Three of five in-silico tools predict a benign effect of the variant on protein function. The variant allele was found at a frequency of 2.8e-05 in 249262 control chromosomes. The available data on variant occurrences in the general population are insufficient to allow any conclusion about variant significance. To our knowledge, no occurrence of c.740A>G in individuals affected with ZNF407-Related Disorders and no experimental evidence demonstrating its impact on protein function have been reported. No submitters have cited clinical-significance assessments for this variant to ClinVar. Based on the evidence outlined above, the variant was classified as uncertain significance.

NM_017757.3(ZNF407):c.740A>G (p.Asp247Gly)

Gene: ZNF407 (zinc finger protein 407; plus strand). Cytogenetic location: 18q22.3.
Variant type: single nucleotide variant.
Coding change: c.740A>G on transcript NM_017757.3 (MANE Select); coding-DNA position 740, A replaced by G.
Protein change: p.Asp247Gly; replaces aspartic acid 247 with glycine.
Molecular consequence: missense variant.
Genome position (GRCh38, 1-based): chr18:74,631,759, A>G. VCF-style: chr18-74631759-A-G. GRCh37 (hg19) VCF-style: chr18-72343715-A-G.
Other names: c.740A>G, p.Asp247Gly (NM_001146189.1, NM_001146190.1, NM_001384475.1); short protein forms D247G.
Identifiers: ClinVar variation 3629626 (VCV003629626.1).